The following is an entry in ClinVar:

ClinVar aggregate classification (germline): Uncertain significance (1 of 4 stars; one submission).

Conditions:
Osteogenesis imperfecta type 7 (OI7). Also called: OSTEOGENESIS IMPERFECTA, TYPE IIB; Osteogenesis imperfecta type 2B; OI type 2B; Osteogenesis imperfecta, perinatal lethal autosomal recessive; OI type IIB; OI type 7. Identifiers: MedGen C1853162, MONDO:0012536, OMIM 610682.

gnomAD v4.1: 6 of 1,479,768 alleles (0.00041%); highest among the groups gnomAD compares: Admixed American, 0.0025%; no homozygotes.

Submission:

Labcorp Genetics (formerly Invitae), Labcorp
Classification: Uncertain significance for Osteogenesis imperfecta type 7. Last evaluated: 2021-10-07. Review status: criteria provided, single submitter. Criteria: Invitae Variant Classification Sherloc (09022015). Collection method: clinical testing. Allele origin: germline.
Comment: This sequence change replaces alanine with valine at codon 10 of the CRTAP protein (p.Ala10Val). The alanine residue is weakly conserved and there is a small physicochemical difference between alanine and valine. The frequency data for this variant in the population databases is considered unreliable, as metrics indicate insufficient coverage at this position in the ExAC database. This variant has not been reported in the literature in individuals affected with CRTAP-related conditions. Algorithms developed to predict the effect of missense changes on protein structure and function are either unavailable or do not agree on the potential impact of this missense change (SIFT: "Tolerated"; PolyPhen-2: "Not Available"; Align-GVGD: "Class C0"). In summary, the available evidence is currently insufficient to determine the role of this variant in disease. Therefore, it has been classified as a Variant of Uncertain Significance.

NM_006371.5(CRTAP):c.29C>T (p.Ala10Val)

Genes: CRTAP (cartilage associated protein; plus strand), LOC129936436 (ATAC-STARR-seq lymphoblastoid silent region 14183; plus strand). Cytogenetic location: 3p22.3.
Variant type: single nucleotide variant.
Coding change: c.29C>T on transcript NM_006371.5 (MANE Select); coding-DNA position 29, C replaced by T.
Protein change: p.Ala10Val; replaces alanine 10 with valine.
Molecular consequence: missense variant.
Genome position (GRCh38, 1-based): chr3:33,114,106, C>T. VCF-style: chr3-33114106-C-T. GRCh37 (hg19) VCF-style: chr3-33155598-C-T.
Other names: c.29C>T, p.Ala10Val (NM_001393363.1, NM_001393364.1, NM_001393365.1); short protein forms A10V.
Identifiers: ClinVar variation 1479637 (VCV001479637.3), dbSNP rs769955892, ClinGen allele CA352008022.
Genomic context (GRCh38, chr3:33,114,106, plus strand): 5'-CGTCCCTTCCTTCCTTCCTTTCGCCGGGCGCGATGGAGCCGGGGCGCCGGGGGGCCGCGG[C>T]GCTGCTAGCGCTGCTGTGCGTGGCCTGCGCGCTGCGCGCCGGGCGCGCCCAATACGAACG-3'
Protein context (NP_006362.1, residues 1-20): MEPGRRGAA[Ala10Val]LLALLCVACA